The following is an entry in ClinVar:

ClinVar aggregate classification (germline): Likely benign. Review status: criteria provided, multiple submitters, no conflicts (2 of 4 stars). 3 submissions from 3 submitters: Likely benign (3). Last evaluated 2024-04-29.

Allele frequency attached by ClinVar (database versions not stated): gnomAD 0.00001; TOPMed 0.00002; ExAC 0.00004; gnomAD exomes 0.00005 and 0.00006; ESP Exome Variant Server 0.00015.
gnomAD v4.1: 79 of 1,602,122 alleles (0.0049%); highest among the groups gnomAD compares: Non-Finnish European, 0.0061%; no homozygotes.

Submissions (3):

Blueprint Genetics
Classification: Likely benign. Last evaluated: 2024-04-29. Review status: criteria provided, single submitter. Criteria: ACMG Guidelines, 2015. Collection method: clinical testing. Allele origin: germline.

CeGaT Center for Human Genetics Tuebingen
Classification: Likely benign. Last evaluated: 2024-02-01. Review status: criteria provided, single submitter. Criteria: CeGaT Center For Human Genetics Tuebingen Variant Classification Criteria Version 2. Collection method: clinical testing. Allele origin: germline. Affected: yes. Observed: 1 variant allele.
Comment: HRAS: BP4, BP7

GeneDx
Classification: Likely benign. Last evaluated: 2020-09-03. Review status: criteria provided, single submitter. Criteria: GeneDx Variant Classification Process June 2021. Collection method: clinical testing. Allele origin: germline. Affected: yes.

NM_176795.5(HRAS):c.498C>G (p.Pro166=)

Genes: HRAS (HRas proto-oncogene, GTPase; minus strand), LRRC56 (leucine rich repeat containing 56; plus strand). Cytogenetic location: 11p15.5.
Variant type: single nucleotide variant.
Coding change: c.498C>G on transcript NM_176795.5 (MANE Plus Clinical); coding-DNA position 498, C replaced by G.
Protein change: p.Pro166=; no amino-acid change (proline 166 retained).
Molecular consequence: synonymous variant. On other transcripts: missense variant (1), intron variant (2).
Genome position (GRCh38, 1-based): chr11:533,311, G>C on the plus strand (C>G on the coding strand, the complement: HRAS is on the minus strand). VCF-style: chr11-533311-G-C. GRCh37 (hg19) VCF-style: chr11-533311-G-C.
Other names: c.179C>G, p.Pro60Arg (NM_001318054.2); c.450+142C>G (NM_005343.4, NM_001130442.3); short protein forms P60R.
Identifiers: ClinVar variation 1267195 (VCV001267195.25), dbSNP rs377676071, ClinGen allele CA5779262.